The following is an entry in ClinVar:

NM_001079866.2(BCS1L):c.186_189del (p.Trp62fs)

Gene: BCS1L (BCS1 ubiquinol-cytochrome c reductase complex chaperone; plus strand). Cytogenetic location: 2q35.
Variant type: Deletion.
Coding change: c.186_189del on transcript NM_001079866.2 (MANE Select); coding-DNA positions 186 to 189, 4 bases deleted (GTTG; older notation c.186_189delGTTG).
Protein change: p.Trp62fs; shifts the reading frame from tryptophan 62.
Molecular consequence: frameshift variant. On other transcripts: 5 prime UTR variant (5), non-coding transcript variant (1), intron variant (3).
Genome position (GRCh38, 1-based): chr2:218,661,173-218,661,176, GTTG deleted; deleting any 4 consecutive bases within chr2:218,661,171-218,661,176 gives the same sequence; the c. name uses the placement nearest the transcript's 3' end. VCF-style (leftmost placement, unchanged base first): chr2-218661170-CTGGT-C. GRCh37 (hg19) VCF-style: chr2-219525893-CTGGT-C.
Other names: c.186_189del, p.Trp62fs (NM_001257342.2, NM_001257343.2, NM_001257344.2 and 10 more transcripts); c.-291_-288del (NM_001371453.1, NM_001371454.1, NM_001371455.1 and 2 more transcripts); c.186_189delGTTG, p.Trp62Cysfs (NM_004328.4); c.-40-233_-40-230del (NM_001371451.1, NM_001318836.2); c.-41-586_-41-583del (NM_001371452.1); short protein forms W62fs.
Identifiers: ClinVar variation 4815339 (VCV004815339.1).

ClinVar aggregate classification (germline): Likely pathogenic (1 of 4 stars; one submission).

Conditions:
GRACILE syndrome (FLNMS). Also called: FELLMAN SYNDROME; FINNISH LETHAL NEONATAL METABOLIC SYNDROME. Identifiers: Orphanet 53693, MedGen C1864002, MONDO:0011308, OMIM 603358.

Submission:

Natera, Inc.
Classification: Likely pathogenic for GRACILE syndrome. Last evaluated: 2024-05-28. Review status: criteria provided, single submitter. Criteria: Natera Variant Classification Schema (03/2026). Collection method: clinical testing. Allele origin: germline.
Comment: The c.186_189del variant in BCS1L is a frameshift variant predicted to shift the reading frame beginning at codon 62 and leads to a stop codon 53 codons downstream. This variant is expected to result in nonsense mediated decay, truncation, or a dysfunctional protein product. This variant is rare in the general population with a frequency below the threshold expected for the associated phenotype(s). Given the available evidence, this variant is classified as Likely Pathogenic.